The following is an entry in ClinVar:

ClinVar aggregate classification (germline): Uncertain significance (1 of 4 stars; one submission).

Conditions:
Hereditary cancer-predisposing syndrome. Also called: Tumor predisposition; Neoplastic Syndromes, Hereditary; Hereditary neoplastic syndrome; Hereditary Cancer Syndrome. Identifiers: Orphanet 140162, MedGen C0027672, MeSH D009386, MONDO:0015356.

Submission:

Ambry Genetics
Classification: Uncertain significance for Hereditary cancer-predisposing syndrome. Last evaluated: 2025-07-07. Review status: criteria provided, single submitter. Criteria: Ambry Variant Classification Scheme 2023. Collection method: clinical testing. Allele origin: germline.
Comment: The c.1351-3C>T intronic variant results from a C to T substitution 3 nucleotides upstream from coding exon 9 in the MEN1 gene. This nucleotide position is well conserved in available vertebrate species. In silico splice site analysis predicts that this alteration will not have any significant effect on splicing. Based on the available evidence, the clinical significance of this variant remains unclear.

NM_001370259.2(MEN1):c.1351-3C>T

Gene: MEN1 (menin 1; minus strand). Cytogenetic location: 11q13.1.
Variant type: single nucleotide variant.
Coding change: c.1351-3C>T on transcript NM_001370259.2 (MANE Select); 3 bases into the intron before coding-DNA position 1351, C replaced by T.
Molecular consequence: intron variant.
Genome position (GRCh38, 1-based): chr11:64,804,819, G>A on the plus strand (C>T on the coding strand, the complement: MEN1 is on the minus strand). VCF-style: chr11-64804819-G-A. GRCh37 (hg19) VCF-style: chr11-64572291-G-A.
Other names: c.1477-3C>T (NM_001407144.1, NM_001370251.2, NM_001407142.1 and 1 more transcripts); c.1366-3C>T (NM_000244.4, NM_130801.3, NM_130800.3 and 4 more transcripts); c.1246-3C>T (NM_001407149.1, NM_001370263.2, NM_001370262.2 and 1 more transcripts); c.1372-3C>T (NM_001407151.1); c.1351-3C>T (NM_001370260.2, NM_001407146.1, NM_001407147.1 and 2 more transcripts); c.1186-3C>T (NM_001407152.1); c.1492-3C>T (NM_001407150.1).
Identifiers: ClinVar variation 4106557 (VCV004106557.1).